The following is an entry in ClinVar:

ClinVar aggregate classification (germline): Uncertain significance (1 of 4 stars; one submission).

Conditions:
Hereditary cancer-predisposing syndrome. Also called: Hereditary neoplastic syndrome; Neoplastic Syndromes, Hereditary; Tumor predisposition; Hereditary Cancer Syndrome. Identifiers: Orphanet 140162, MedGen C0027672, MeSH D009386, MONDO:0015356.

Submission:

Ambry Genetics
Classification: Uncertain significance for Hereditary cancer-predisposing syndrome. Last evaluated: 2025-07-28. Review status: criteria provided, single submitter. Criteria: Ambry Variant Classification Scheme 2023. Collection method: clinical testing. Allele origin: germline.
Comment: The p.K42R variant (also known as c.125A>G), located in coding exon 2 of the RAD51D gene, results from an A to G substitution at nucleotide position 125. The lysine at codon 42 is replaced by arginine, an amino acid with highly similar properties. This amino acid position is conserved. In addition, this alteration is predicted to be tolerated by in silico analysis. Based on the available evidence, the clinical significance of this variant remains unclear.

NM_002878.4(RAD51D):c.125A>G (p.Lys42Arg)

Genes: RAD51D (RAD51 paralog D; minus strand), RAD51L3-RFFL (RAD51L3-RFFL readthrough; minus strand). Cytogenetic location: 17q12.
Variant type: single nucleotide variant.
Coding change: c.125A>G on transcript NM_002878.4 (MANE Select); coding-DNA position 125, A replaced by G.
Protein change: p.Lys42Arg; replaces lysine 42 with arginine.
Molecular consequence: missense variant. On other transcripts: non-coding transcript variant (2).
Genome position (GRCh38, 1-based): chr17:35,119,130, T>C on the plus strand (A>G on the coding strand, the complement: RAD51D is on the minus strand). VCF-style: chr17-35119130-T-C. GRCh37 (hg19) VCF-style: chr17-33446149-T-C.
Other names: c.125A>G, p.Lys42Arg (NM_001142571.2, NM_133629.3); short protein forms K42R.
Identifiers: ClinVar variation 4149913 (VCV004149913.1).